The following is an entry in ClinVar:

ClinVar aggregate classification (germline): Uncertain significance (1 of 4 stars; one submission).

Conditions:
Pitt-Hopkins-like syndrome 2 (PTHSL2). Identifiers: Orphanet 221150, Orphanet 600663, MedGen C3280479, MONDO:0013690, OMIM 614325.

Submission:

Labcorp Genetics (formerly Invitae), Labcorp
Classification: Uncertain significance for Pitt-Hopkins-like syndrome 2. Last evaluated: 2021-04-24. Review status: criteria provided, single submitter. Criteria: Invitae Variant Classification Sherloc (09022015). Collection method: clinical testing. Allele origin: germline.
Comment: This variant has not been reported in the literature in individuals with NRXN1-related conditions. In summary, the available evidence is currently insufficient to determine the role of this variant in disease. Therefore, it has been classified as a Variant of Uncertain Significance. Algorithms developed to predict the effect of missense changes on protein structure and function (SIFT, PolyPhen-2, Align-GVGD) all suggest that this variant is likely to be disruptive, but these predictions have not been confirmed by published functional studies and their clinical significance is uncertain. This variant is not present in population databases (ExAC no frequency). This sequence change replaces alanine with glycine at codon 496 of the NRXN1 protein (p.Ala496Gly). The alanine residue is highly conserved and there is a small physicochemical difference between alanine and glycine.

NM_001330078.2(NRXN1):c.1367C>G (p.Ala456Gly)

Gene: NRXN1 (neurexin 1; minus strand). Cytogenetic location: 2p16.3.
Variant type: single nucleotide variant.
Coding change: c.1367C>G on transcript NM_001330078.2 (MANE Select); coding-DNA position 1367, C replaced by G.
Protein change: p.Ala456Gly; replaces alanine 456 with glycine.
Molecular consequence: missense variant.
Genome position (GRCh38, 1-based): chr2:50,552,979, G>C on the plus strand (C>G on the coding strand, the complement: NRXN1 is on the minus strand). VCF-style: chr2-50552979-G-C. GRCh37 (hg19) VCF-style: chr2-50780117-G-C.
Other names: c.1343C>G, p.Ala448Gly (NM_001330077.2, NM_001330082.2, NM_001330095.2); c.1328C>G, p.Ala443Gly (NM_001330083.2, NM_001330084.2); c.1487C>G, p.Ala496Gly (NM_001135659.3); c.1367C>G, p.Ala456Gly (NM_001330085.2, NM_001330086.2, NM_004801.6); c.1283C>G, p.Ala428Gly (NM_001330087.2, NM_001330096.2); c.1313C>G, p.Ala438Gly (NM_001330088.2); c.1364C>G, p.Ala455Gly (NM_001330093.2); c.1355C>G, p.Ala452Gly (NM_001330094.2); short protein forms A456G, A448G, A496G, A428G, A443G, A455G, A438G, A452G.
Identifiers: ClinVar variation 1438617 (VCV001438617.8), dbSNP rs965263891, ClinGen allele CA346774358.